The following is an entry in ClinVar:

ClinVar aggregate classification (germline): Uncertain significance (1 of 4 stars; one submission).

Conditions:
Cornelia de Lange syndrome 1 (CDLS1). Also called: NIPBL-Related Cornelia de Lange Syndrome; TYPUS DEGENERATIVUS AMSTELODAMENSIS; Brachmann de Lange syndrome. Identifiers: Orphanet 199, MedGen C4551851, MONDO:0007387, OMIM 122470.

Submission:

Labcorp Genetics (formerly Invitae), Labcorp
Classification: Uncertain significance for Cornelia de Lange syndrome 1. Last evaluated: 2022-09-12. Review status: criteria provided, single submitter. Criteria: Invitae Variant Classification Sherloc (09022015). Collection method: clinical testing. Allele origin: germline.
Comment: In summary, the available evidence is currently insufficient to determine the role of this variant in disease. Therefore, it has been classified as a Variant of Uncertain Significance. This sequence change affects codon 1520 of the NIPBL mRNA. It is a 'silent' change, meaning that it does not change the encoded amino acid sequence of the NIPBL protein. It affects a nucleotide within the consensus splice site. This variant is not present in population databases (gnomAD no frequency). This variant has not been reported in the literature in individuals affected with NIPBL-related conditions. Algorithms developed to predict the effect of sequence changes on RNA splicing suggest that this variant is not likely to affect RNA splicing.

NM_133433.4(NIPBL):c.4560A>G (p.Lys1520=)

Gene: NIPBL (NIPBL cohesin loading factor; plus strand). Cytogenetic location: 5p13.2.
Variant type: single nucleotide variant.
Coding change: c.4560A>G on transcript NM_133433.4 (MANE Select); coding-DNA position 4560, A replaced by G.
Protein change: p.Lys1520=; no amino-acid change (lysine 1520 retained).
Molecular consequence: synonymous variant.
Genome position (GRCh38, 1-based): chr5:37,010,225, A>G. VCF-style: chr5-37010225-A-G. GRCh37 (hg19) VCF-style: chr5-37010327-A-G.
Other names: c.4560A>G, p.Lys1520= (NM_015384.5).
Identifiers: ClinVar variation 2074555 (VCV002074555.4), dbSNP rs2478191822, ClinGen allele CA443905378.